The following is an entry in ClinVar:

ClinVar aggregate classification (germline): Uncertain significance (1 of 4 stars; one submission).

Submission:

Labcorp Genetics (formerly Invitae), Labcorp
Classification: Uncertain significance. Last evaluated: 2022-08-17. Review status: criteria provided, single submitter. Criteria: Invitae Variant Classification Sherloc (09022015). Collection method: clinical testing. Allele origin: germline.
Comment: In summary, the available evidence is currently insufficient to determine the role of this variant in disease. Therefore, it has been classified as a Variant of Uncertain Significance. Algorithms developed to predict the effect of missense changes on protein structure and function are either unavailable or do not agree on the potential impact of this missense change (SIFT: "Deleterious"; PolyPhen-2: "Possibly Damaging"; Align-GVGD: "Class C0"). This variant has not been reported in the literature in individuals affected with ASPM-related conditions. This variant is present in population databases (no rsID available, gnomAD 0.01%). This sequence change replaces histidine, which is basic and polar, with proline, which is neutral and non-polar, at codon 603 of the ASPM protein (p.His603Pro).

NM_018136.5(ASPM):c.1808A>C (p.His603Pro)

Gene: ASPM (assembly factor for spindle microtubules; minus strand). Cytogenetic location: 1q31.3.
Variant type: single nucleotide variant.
Coding change: c.1808A>C on transcript NM_018136.5 (MANE Select); coding-DNA position 1808, A replaced by C.
Protein change: p.His603Pro; replaces histidine 603 with proline.
Molecular consequence: missense variant.
Genome position (GRCh38, 1-based): chr1:197,142,444, T>G on the plus strand (A>C on the coding strand, the complement: ASPM is on the minus strand). VCF-style: chr1-197142444-T-G. GRCh37 (hg19) VCF-style: chr1-197111574-T-G.
Other names: c.1808A>C, p.His603Pro (NM_001206846.2); short protein forms H603P.
Identifiers: ClinVar variation 1927991 (VCV001927991.3), dbSNP rs139049142, ClinGen allele CA344013344.